The following is an entry in ClinVar:

NM_004991.4(MECOM):c.2284C>A (p.Pro762Thr)

Gene: MECOM (MDS1 and EVI1 complex locus; minus strand). Cytogenetic location: 3q26.2.
Variant type: single nucleotide variant.
Coding change: c.2284C>A on transcript NM_004991.4 (MANE Select); coding-DNA position 2284, C replaced by A.
Protein change: p.Pro762Thr; replaces proline 762 with threonine.
Molecular consequence: missense variant.
Genome position (GRCh38, 1-based): chr3:169,115,588, G>T on the plus strand (C>A on the coding strand, the complement: MECOM is on the minus strand). VCF-style: chr3-169115588-G-T. GRCh37 (hg19) VCF-style: chr3-168833376-G-T.
Other names: c.1915C>A, p.Pro639Thr (NM_001105077.4); c.1720C>A, p.Pro574Thr (NM_001105078.4, NM_001164000.2, NM_001205194.2 and 4 more transcripts); c.1723C>A, p.Pro575Thr (NM_001163999.2, NM_001366467.2, NM_001366468.2 and 1 more transcripts); c.2284C>A, p.Pro762Thr (NM_001366466.2); c.1312C>A, p.Pro438Thr (NM_001366473.2); c.748C>A, p.Pro250Thr (NM_001366474.2); short protein forms P250T, P639T, P762T, P574T, P575T, P438T.
Identifiers: ClinVar variation 4105898 (VCV004105898.1).
Genomic context (GRCh38, chr3:169,115,588, plus strand): 5'-TACTCCTACTGCCCATACTTAGATCCAGGGGCTGGTCTTGGCTTGTGGCAGGTGTCACTG[G>T]AGGCTTGGAGGGGACTGGAGTCAAGGGCTTCTCATCCTTTCGCTTAGTGGTGAGATCAAA-3'
Protein context (NP_004982.2, residues 752-772): KPLTPVPSKP[Pro762Thr]VTPATSQDQP

ClinVar aggregate classification (germline): Uncertain significance (1 of 4 stars; one submission).

Conditions:
Inborn genetic diseases. Identifiers: MedGen C0950123, MeSH D030342.

gnomAD v4.1: 4 of 1,614,122 alleles (0.00025%); highest among the groups gnomAD compares: Non-Finnish European, 0.00034%; no homozygotes.

Submission:

Ambry Genetics
Classification: Uncertain significance for Inborn genetic diseases. Last evaluated: 2025-08-30. Review status: criteria provided, single submitter. Criteria: Ambry Variant Classification Scheme 2023. Collection method: clinical testing. Allele origin: germline.
Comment: The p.P762T variant (also known as c.2284C>A), located in coding exon 8 of the MECOM gene, results from a C to A substitution at nucleotide position 2284. The proline at codon 762 is replaced by threonine, an amino acid with highly similar properties. This amino acid position is conserved. In addition, this alteration is predicted to be tolerated by in silico analysis. Based on the available evidence, the clinical significance of this variant remains unclear.